The following is an entry in ClinVar:

ClinVar aggregate classification (germline): Conflicting classifications of pathogenicity. Review status: criteria provided, conflicting classifications (1 of 4 stars). 3 submissions from 3 submitters: Likely pathogenic (1); Uncertain significance (2). Last evaluated 2025-05-07.

Conditions:
Endometrial carcinoma. Also called: Endometrial carcinoma, somatic. Identifiers: MedGen C0476089, MONDO:0002447, OMIM 608089, HP:0012114.
Lynch syndrome 5 (LYNCH5). Also called: Hereditary non-polyposis colorectal cancer, type 5; Colorectal cancer, hereditary nonpolyposis, type 5. Identifiers: Orphanet 144, MedGen C1833477, MONDO:0013710, OMIM 614350. Disease mechanism: loss of function.
Hereditary nonpolyposis colorectal neoplasms. Identifiers: MedGen C0009405, MeSH D003123.
Hereditary cancer-predisposing syndrome. Also called: Hereditary Cancer Syndrome; Hereditary neoplastic syndrome; Tumor predisposition; Neoplastic Syndromes, Hereditary. Identifiers: Orphanet 140162, MedGen C0027672, MeSH D009386, MONDO:0015356.

Allele frequency attached by ClinVar (database versions not stated): gnomAD exomes below 0.00001.
gnomAD v4.1: 1 of 1,614,082 alleles (0.000062%); highest among the groups gnomAD compares: Non-Finnish European, 0.000085%; no homozygotes.

Submissions (3):

Ambry Genetics
Classification: Likely pathogenic for Hereditary cancer-predisposing syndrome. Last evaluated: 2025-05-07. Review status: criteria provided, single submitter. Criteria: Ambry Variant Classification Scheme 2023. Collection method: clinical testing. Allele origin: germline.
Comment: The p.L798P variant (also known as c.2393T>C), located in coding exon 4 of the MSH6 gene, results from a T to C substitution at nucleotide position 2393. The leucine at codon 798 is replaced by proline, an amino acid with similar properties. This alteration has been observed in several individuals whose tumors demonstrated loss of MSH6 expression on immunohistochemistry (IHC) (Ambry internal data). This variant is highly destabilizing to the local structure and is deleterious based on internal structural analysis (Ambry internal data). This amino acid position is highly conserved in available vertebrate species. This variant is considered to be rare based on population cohorts in the Genome Aggregation Database (gnomAD). In addition, this alteration is predicted to be deleterious by in silico analysis. Based on the majority of available evidence to date, this variant is likely to be pathogenic.

Labcorp Genetics (formerly Invitae), Labcorp
Classification: Uncertain significance for Hereditary nonpolyposis colorectal neoplasms. Last evaluated: 2023-11-10. Review status: criteria provided, single submitter. Criteria: Invitae Variant Classification Sherloc (09022015). Collection method: clinical testing. Allele origin: germline.
Comment: This sequence change replaces leucine, which is neutral and non-polar, with proline, which is neutral and non-polar, at codon 798 of the MSH6 protein (p.Leu798Pro). This variant is not present in population databases (gnomAD no frequency). This variant has not been reported in the literature in individuals affected with MSH6-related conditions. ClinVar contains an entry for this variant (Variation ID: 1790593). Advanced modeling of protein sequence and biophysical properties (such as structural, functional, and spatial information, amino acid conservation, physicochemical variation, residue mobility, and thermodynamic stability) performed at Invitae indicates that this missense variant is expected to disrupt MSH6 protein function with a positive predictive value of 95%. In summary, the available evidence is currently insufficient to determine the role of this variant in disease. Therefore, it has been classified as a Variant of Uncertain Significance.

Department of Pathology and Laboratory Medicine, Sinai Health System
Classification: Uncertain significance for Endometrial carcinoma; Lynch syndrome 5. Last evaluated: 2022-03-01. Review status: criteria provided, single submitter. Criteria: ACMG Guidelines, 2015. Collection method: clinical testing. Allele origin: germline. Affected: yes.

NM_000179.3(MSH6):c.2393T>C (p.Leu798Pro)

Gene: MSH6 (mutS homolog 6; plus strand). Cytogenetic location: 2p16.3.
Variant type: single nucleotide variant.
Coding change: c.2393T>C on transcript NM_000179.3 (MANE Select); coding-DNA position 2393, T replaced by C.
Protein change: p.Leu798Pro; replaces leucine 798 with proline.
Molecular consequence: missense variant.
Genome position (GRCh38, 1-based): chr2:47,800,376, T>C. VCF-style: chr2-47800376-T-C. GRCh37 (hg19) VCF-style: chr2-48027515-T-C.
Other names: c.2003T>C, p.Leu668Pro (NM_001281492.2); c.1487T>C, p.Leu496Pro (NM_001281493.2, NM_001281494.2, NM_001406811.1 and 6 more transcripts); c.2489T>C, p.Leu830Pro (NM_001406795.1, NM_001406802.1); c.2393T>C, p.Leu798Pro (NM_001406796.1, NM_001406798.1, NM_001406800.1 and 2 more transcripts); c.2096T>C, p.Leu699Pro (NM_001406797.1, NM_001406801.1, NM_001406805.1 and 10 more transcripts); c.1868T>C, p.Leu623Pro (NM_001406799.1, NM_001406806.1, NM_001406807.1); c.2315T>C, p.Leu772Pro (NM_001406804.1); c.2399T>C, p.Leu800Pro (NM_001406813.1); and 1 more; short protein forms L623P, L699P, L742P, L830P, L772P, L798P, L668P, L800P.
Identifiers: ClinVar variation 1790593 (VCV001790593.7), dbSNP rs2104404366, ClinGen allele CA346753867.